The following is an entry in ClinVar:

NM_001365088.1(SLC12A6):c.746-45T>A

Gene: SLC12A6 (solute carrier family 12 member 6; minus strand). Cytogenetic location: 15q14.
Variant type: single nucleotide variant.
Coding change: c.746-45T>A on transcript NM_001365088.1 (MANE Select); 45 bases into the intron before coding-DNA position 746, T replaced by A.
Molecular consequence: intron variant.
Genome position (GRCh38, 1-based): chr15:34,255,437, A>T on the plus strand (T>A on the coding strand, the complement: SLC12A6 is on the minus strand). VCF-style: chr15-34255437-A-T. GRCh37 (hg19) VCF-style: chr15-34547638-A-T.
Other names: c.569-45T>A (NM_001042495.2, NM_001042494.2); c.719-45T>A (NM_001042496.2); c.701-45T>A (NM_001042497.2); c.746-45T>A (NM_133647.2); c.593-45T>A (NM_005135.2).
Identifiers: ClinVar variation 670565 (VCV000670565.2), dbSNP rs17817830, ClinGen allele CA7464492.

ClinVar aggregate classification (germline): Likely benign. Review status: criteria provided, multiple submitters, no conflicts (2 of 4 stars). 2 submissions from 2 submitters: Likely benign (2). Last evaluated 2018-06-16.

Allele frequency attached by ClinVar (database versions not stated): 1000 Genomes Project 0.01058; 1000 Genomes Project 30x 0.01093; TOPMed 0.01560; ESP Exome Variant Server 0.01639; gnomAD 0.01670 and 0.01677; gnomAD exomes 0.01786 and 0.02334; ExAC 0.01878.
gnomAD v4.1: 31,671 of 1,408,646 alleles (2.2%); highest among the groups gnomAD compares: Non-Finnish European, 2.7%; 386 homozygotes.

Submissions (2):

GeneDx
Classification: Likely benign. Last evaluated: 2018-06-16. Review status: criteria provided, single submitter. Criteria: GeneDx Variant Classification (06012015). Collection method: clinical testing. Allele origin: germline. Affected: yes.
Comment: This variant is considered likely benign or benign based on one or more of the following criteria: it is a conservative change, it occurs at a poorly conserved position in the protein, it is predicted to be benign by multiple in silico algorithms, and/or has population frequency not consistent with disease.

Breakthrough Genomics
Classification: Likely benign. Review status: criteria provided, single submitter. Criteria: ACMG Guidelines, 2015. Collection method: not provided. Allele origin: germline. Inheritance: Autosomal recessive inheritance. Affected: yes.